The following is an entry in ClinVar:

ClinVar aggregate classification (germline): Uncertain significance (1 of 4 stars; one submission).

gnomAD v4.1: 17 of 1,578,036 alleles (0.0011%); highest among the groups gnomAD compares: Non-Finnish European, 0.0015%; no homozygotes.

Submission:

Mayo Clinic Laboratories, Mayo Clinic
Classification: Uncertain significance. Last evaluated: 2025-07-16. Review status: criteria provided, single submitter. Criteria: ACMG Guidelines, 2015. Collection method: clinical testing. Allele origin: germline. Observed: 1 variant allele.
Comment: BP4

NM_000182.5(HADHA):c.-3A>T

Genes: HADHA (hydroxyacyl-CoA dehydrogenase trifunctional multienzyme complex subunit alpha; minus strand), HADHB (hydroxyacyl-CoA dehydrogenase trifunctional multienzyme complex subunit beta; plus strand). Cytogenetic location: 2p23.3.
Variant type: single nucleotide variant.
Coding change: c.-3A>T on transcript NM_000182.5 (MANE Select); 3 bases upstream of the start codon, A replaced by T.
Molecular consequence: 5 prime UTR variant.
Genome position (GRCh38, 1-based): chr2:26,244,599, T>A on the plus strand (A>T on the coding strand, the complement: HADHA is on the minus strand). VCF-style: chr2-26244599-T-A. GRCh37 (hg19) VCF-style: chr2-26467467-T-A.
Identifiers: ClinVar variation 4542545 (VCV004542545.1).
Genomic context (GRCh38, chr2:26,244,599, plus strand): 5'-GGAGGATCCTGAAGGCAGAAAAGCGGCTGAGGATGCCAATCGCCCGGCAGGCCACCATCT[T>A]GAGCTGAAGAGGACAGCAGTGGAGAGCGCCTCTAACGGGTGCGGCCGAGCGGAGGACTTT-3'